The following is an entry in ClinVar:

NM_016396.3(CTDSPL2):c.691G>A (p.Ala231Thr)

Gene: CTDSPL2 (CTD small phosphatase like 2; plus strand). Cytogenetic location: 15q15.3.
Variant type: single nucleotide variant.
Coding change: c.691G>A on transcript NM_016396.3 (MANE Select); coding-DNA position 691, G replaced by A.
Protein change: p.Ala231Thr; replaces alanine 231 with threonine.
Molecular consequence: missense variant.
Genome position (GRCh38, 1-based): chr15:44,490,999, G>A. VCF-style: chr15-44490999-G-A. GRCh37 (hg19) VCF-style: chr15-44783197-G-A.
Other names: short protein forms A231T.
Identifiers: ClinVar variation 1334485 (VCV001334485.4), dbSNP rs2140805588, ClinGen allele CA392207156.

ClinVar aggregate classification (germline): Uncertain significance (1 of 4 stars; one submission).

Submission:

Greenwood Genetic Center Diagnostic Laboratories, Greenwood Genetic Center
Classification: Uncertain significance. Last evaluated: 2021-07-06. Review status: criteria provided, single submitter. Criteria: ACMG Guidelines, 2015. Collection method: clinical testing. Allele origin: germline. Affected: yes.
Comment: BP4, PS2, PM2